The following is an entry in ClinVar:

ClinVar aggregate classification (germline): Pathogenic/Likely pathogenic. Review status: criteria provided, multiple submitters, no conflicts (2 of 4 stars). 2 submissions from 2 submitters: Pathogenic (1); Likely pathogenic (1). Last evaluated 2026-04-11.

Conditions:
FLG-related disorder. Also called: FLG-related disorders; FLG-related condition.

Allele frequency attached by ClinVar (database versions not stated): ExAC 0.00001; gnomAD 0.00002; gnomAD exomes 0.00002; TOPMed 0.00002.

Submissions (2):

GeneDx
Classification: Pathogenic. Last evaluated: 2026-04-11. Review status: criteria provided, single submitter. Criteria: GeneDx Variant Classification Process June 2021. Collection method: clinical testing. Allele origin: germline.
Comment: Frameshift variant predicted to result in abnormal protein length as the last 3913 amino acids are replaced with 3 different amino acids, and other similar variants have been reported in HGMD; Identified either in the heterozygous state or in trans with another FLG loss-of-function variant in multiple patients with ichthyosis tested at GeneDx and reported in the published literature (PMID: 23290076, 24629053, 36716921); Identified in an individual with atopic dermatitis in published literature (PMID: 38564302); This variant is associated with the following publications: (PMID: 22542183, 23290076, 25363768, 24629053, 36716921, 35982159, 16444271, 38564302)

Blueprint Genetics
Classification: Likely pathogenic for FLG-related disorders. Last evaluated: 2021-04-19. Review status: criteria provided, single submitter. Criteria: ACMG Guidelines, 2015. Collection method: clinical testing. Allele origin: germline. Affected: yes. Observed: 5 variant alleles.

NM_002016.2(FLG):c.441_442del (p.Gly149fs)

Genes: CCDST (cervical cancer associated DHX9 suppressive transcript; plus strand), FLG (filaggrin; minus strand). Cytogenetic location: 1q21.3.
Variant type: Deletion.
Coding change: c.441_442del on transcript NM_002016.2 (MANE Select); coding-DNA positions 441 to 442, 2 bases deleted (AG; older notation c.441_442delAG).
Protein change: p.Gly149fs; shifts the reading frame from glycine 149.
Molecular consequence: frameshift variant.
Genome position (GRCh38, 1-based): chr1:152,314,444-152,314,445, CT deleted on the plus strand (AG on the coding strand, the reverse complement: FLG is on the minus strand). VCF-style (leftmost placement, unchanged base first): chr1-152314443-CCT-C. GRCh37 (hg19) VCF-style: chr1-152286919-CCT-C.
Other names: c.441_442delAG, p.Gly149Glufs (NM_002016.1); short protein forms G149fs.
Identifiers: ClinVar variation 1712871 (VCV001712871.4), dbSNP rs776289194, ClinGen allele CA1108006.
Genomic context (GRCh38, chr1:152,314,443, plus strand): 5'-TGAGTAGGTGAATATCCTTTTCTTTCTTTTTTTTCAGAACTAGATTCATGCCTTTTCCCC[CCT>C]GTTTCTCTTGGGCTCTTGGATCTTCCCTTATTCCCTTTTCTATTGTTTCTTCTTTCCAGA-3'